The following is an entry in ClinVar:

ClinVar aggregate classification (germline): Pathogenic. Review status: reviewed by expert panel (3 of 4 stars). 22 submissions from 20 submitters: Pathogenic (1). 21 of the submissions do not count toward it. Last evaluated 2017-03-17.

Conditions:
CFTR-related disorder (CFTR-RD). Also called: CFTR-related condition; CFTR-related disorders. Identifiers: MedGen C5924204, MONDO:7770004.
Cystic fibrosis (CF). Also called: MUCOVISCIDOSIS. Identifiers: Orphanet 586, MedGen C0010674, MONDO:0009061, OMIM 219700. Disease mechanism: loss of function.
Congenital bilateral aplasia of vas deferens from CFTR mutation (CBAVD). Identifiers: Orphanet 48, MedGen C0403814, MONDO:0010178, OMIM 277180. Disease mechanism: loss of function.
Hereditary pancreatitis (PCTT). Also called: PRSS1-Related Hereditary Pancreatitis; Hereditary chronic pancreatitis. Identifiers: Orphanet 676, MedGen C0238339, MONDO:0008185, OMIM 167800.
Bronchiectasis with or without elevated sweat chloride 1 (BESC1). Also called: Cystic Fibrosis-Like Syndrome. Identifiers: Orphanet 60033, MedGen C2749757, MONDO:0008887, OMIM 211400.

Submissions 1 to 10 of 22:

CFTR2
Classification: Pathogenic for Cystic fibrosis. Last evaluated: 2017-03-17. Review status: reviewed by expert panel. Criteria: Sosnay PR et al. (Nat Genet 2013). Collection method: research. Allele origin: germline. Affected: yes. Study: CFTR2.

PreventionGenetics, part of Exact Sciences
Classification: Pathogenic for CFTR-related condition. Last evaluated: 2026-08-10. Review status: criteria provided, single submitter. Criteria: ACMG Guidelines, 2015. Collection method: clinical testing. Allele origin: germline. Not counted in ClinVar's aggregate classification.
Comment: The CFTR c.1021_1022dupTC variant is predicted to result in a frameshift and premature protein termination (p.Phe342Hisfs*28). This variant has been reported to be causative for cystic fibrosis and cystic fibrosis with pancreatic insufficiency (see for example: Table S2, Sosnay et al. 2013. PubMed ID: 23974870; reported as c.1154insTC, Iannuzzi et al. 1991. PubMed ID: 1990834; Ooi and Durie. 2012. PubMed ID: 22658665). Frameshift variants in CFTR are expected to be pathogenic. This variant is interpreted as pathogenic.

Labcorp Genetics (formerly Invitae), Labcorp
Classification: Pathogenic for Cystic fibrosis. Last evaluated: 2026-01-13. Review status: criteria provided, single submitter. Criteria: Invitae Variant Classification Sherloc (09022015). Collection method: clinical testing. Allele origin: germline. Not counted in ClinVar's aggregate classification.
Comment: This sequence change creates a premature translational stop signal (p.Phe342Hisfs*28) in the CFTR gene. It is expected to result in an absent or disrupted protein product. Loss-of-function variants in CFTR are known to be pathogenic (PMID: 1695717, 7691345, 9725922). This variant is present in population databases (rs751437088, gnomAD 0.006%). This premature translational stop signal has been observed in individuals with Cystic Fibrosis (CF) (PMID: 1990834, 12865275, 23974870; internal data). This variant is also known as 1154insTC. ClinVar contains an entry for this variant (Variation ID: 7134). For these reasons, this variant has been classified as Pathogenic.

Natera, Inc.
Classification: Pathogenic for CFTR-related disorders. Last evaluated: 2025-10-15. Review status: criteria provided, single submitter. Criteria: Natera Variant Classification Schema (03/2026). Collection method: clinical testing. Allele origin: germline. Not counted in ClinVar's aggregate classification.
Comment: The c.1021_1022dupTC variant in CFTR is a frameshift variant predicted to shift the reading frame beginning at codon 342 and leads to a stop codon 28 codons downstream. This variant is expected to result in nonsense mediated decay, truncation, or a dysfunctional protein product. This variant is rare in the general population with a frequency below the threshold expected for the associated phenotype(s). This variant has been observed in one or more individuals affected with the associated recessive disease, as either homozygous or compound heterozygous with a second variant (PMID: 7472820). Given the available evidence, this variant is classified as Pathogenic.

Ambry Genetics
Classification: Pathogenic for Cystic fibrosis. Last evaluated: 2025-03-25. Review status: criteria provided, single submitter. Criteria: Ambry Variant Classification Scheme 2023. Collection method: clinical testing. Allele origin: germline. Not counted in ClinVar's aggregate classification.
Comment: The c.1021_1022dupTC pathogenic mutation, located in coding exon 8 of the CFTR gene, results from a duplication of TC at nucleotide position 1021, causing a translational frameshift with a predicted alternate stop codon (p.F342Hfs*28). This variant was reported to account for 0.5% of 1,238 predominantly American Caucasian cystic fibrosis (CF) chromosomes (Friedman KJ et al. Hum. Mutat., 1995;6:95-6). In another study, this variant was reportedly detected in trans with p.F508del in two unrelated individuals with elevated sweat chloride levels, pancreatic insufficiency, and poor growth (Alper OM et al. Am. J. Med. Genet. A, 2003 Jul;120A:294-5). This variant is considered to be rare based on population cohorts in the Genome Aggregation Database (gnomAD). Of note, this alteration is also known as c.1154_1155insTC, 1154insTC, and c.1022_1023insTC in published literature. In addition to the clinical data presented in the literature, this alteration is expected to result in loss of function by premature protein truncation or nonsense-mediated mRNA decay. As such, this alteration is interpreted as a disease-causing mutation.

Women's Health and Genetics/Laboratory Corporation of America, LabCorp
Classification: Pathogenic for Cystic fibrosis. Last evaluated: 2025-03-05. Review status: criteria provided, single submitter. Criteria: LabCorp Variant Classification Summary - May 2015. Collection method: clinical testing. Allele origin: germline. Not counted in ClinVar's aggregate classification.
Comment: Variant summary: CFTR c.1021_1022dupTC (p.Phe342HisfsX28) results in a premature termination codon, predicted to cause a truncation of the encoded protein or absence of the protein due to nonsense mediated decay, which are commonly known mechanisms for disease. The variant allele was found at a frequency of 2.8e-05 in 251226 control chromosomes (gnomAD). c.1021_1022dupTC has been reported in the literature in numerous individuals affected with Cystic Fibrosis (e.g. Iannuzzi_1991, Friedman_1995, Pignatti_1995, Ahmed_2003, Sosnay_2013). These data indicate that the variant is very likely to be associated with disease. To our knowledge, no experimental evidence demonstrating an impact on protein function has been reported. The following publications have been ascertained in the context of this evaluation (PMID: 12865275, 7550243, 1990834, 7543317, 23974870). ClinVar contains an entry for this variant (Variation ID: 7134). Based on the evidence outlined above, the variant was classified as pathogenic.

ARUP Laboratories, Molecular Genetics and Genomics, ARUP Laboratories
Classification: Pathogenic for Cystic fibrosis. Last evaluated: 2025-03-04. Review status: criteria provided, single submitter. Criteria: ARUP Molecular Germline Variant Investigation Process 2024. Collection method: clinical testing. Allele origin: germline. Not counted in ClinVar's aggregate classification.
Comment: The CFTR c.1021_1022dupTC, p.Phe342fs variant (rs387906360, ClinVar Variation ID: 7134), also known as 1154insTC, has been reported in-trans with a pathogenic CFTR variant in multiple cystic fibrosis patients and is often associated with pancreatic insufficiency (Alper 2003, Friedman 1995, Iannuzzi 1991, Ooi 2012, Sosnay 2013, CFTR2 database). This variant is found in the non-Finnish European population with an allele frequency of 0.005% (7/128980 alleles) in the Genome Aggregation Database (v2.1.1). This variant causes a frameshift by inserting two nucleotides, so it is predicted to result in a truncated protein or mRNA subject to nonsense-mediated decay. Based on available information, the variant is classified as pathogenic. References: CFTR2 database: Alper O et al. 1154insTC is not a rare CFTR mutation. Am J Med Genet A. 2003; 120A(2):294-5. PMID: 12833419 Friedman K et al. Relatively high prevalence of the CFTR mutations, G85E and 1154insTC. Hum Mutat. 1995; 6(1):95-6. PMID: 7550243 Iannuzzi M et al. Two frameshift mutations in the cystic fibrosis gene. Am J Hum Genet. 1991; 48(2):227-31. PMID: 1990834 Ooi C. et al. Cystic fibrosis transmembrane conductance regulator (CFTR) gene mutations in pancreatitis. J Cyst Fibros. 2012; 11(5):355-62. PMID: 22658665 Sosnay PR et al. Defining the disease liability of variants in the cystic fibrosis transmembrane conductance regulator gene. Nat Genet. 2013; 45(10):1160-7. PMID: 23974870

Fulgent Genetics
Classification: Pathogenic for Hereditary pancreatitis; Bronchiectasis with or without elevated sweat chloride 1; Cystic fibrosis; Congenital bilateral aplasia of vas deferens from CFTR mutation. Last evaluated: 2024-06-10. Review status: criteria provided, single submitter. Criteria: ACMG Guidelines, 2015. Collection method: clinical testing. Allele origin: germline. Not counted in ClinVar's aggregate classification.

Baylor Genetics
Classification: Pathogenic for Bronchiectasis with or without elevated sweat chloride 1. Last evaluated: 2024-03-04. Review status: criteria provided, single submitter. Criteria: ACMG Guidelines, 2015. Collection method: clinical testing. Allele origin: unknown. Not counted in ClinVar's aggregate classification.

Institute of Human Genetics, University of Leipzig Medical Center
Classification: Pathogenic for Cystic fibrosis. Last evaluated: 2022-09-05. Review status: criteria provided, single submitter. Criteria: ACMG Guidelines, 2015. Collection method: curation. Allele origin: unknown. Affected: yes. Observed: 1 variant allele. Not counted in ClinVar's aggregate classification.
Comment: The variant was classified in the context of a project re-classifying variants in the German Cystic Fibrosis Registry (Muko.e.V.). Criteria applied: PVS1, PM2_SUP, PM3_VSTR, PP4

NM_000492.4(CFTR):c.1021_1022dup (p.Phe342fs)

Gene: CFTR (CF transmembrane conductance regulator; plus strand). Cytogenetic location: 7q31.2.
Variant type: Microsatellite.
Coding change: c.1021_1022dup on transcript NM_000492.4 (MANE Select); coding-DNA positions 1021 to 1022, 2 bases duplicated (TC; older notation c.1021_1022dupTC).
Protein change: p.Phe342fs; shifts the reading frame from phenylalanine 342.
Molecular consequence: frameshift variant.
Genome position (GRCh38, 1-based): chr7:117,540,251-117,540,252, TC duplicated; duplicating any 2 consecutive bases within chr7:117,540,249-117,540,252 gives the same sequence; the c. name uses the placement nearest the transcript's 3' end. VCF-style (leftmost placement, unchanged base first): chr7-117540248-A-ATC. GRCh37 (hg19) VCF-style: chr7-117180302-A-ATC.
Other names: 1154insTC; p.Phe342Hisfs*28; c.1021_1022dupTC (NM_000492.4, NM_000492.3); short protein forms F342fs.
Identifiers: ClinVar variation 7134 (VCV000007134.41), dbSNP rs387906360, ClinGen allele CA340640.
Genomic context (GRCh38, chr7:117,540,248, plus strand): 5'-TTATCTGTGCTTCCCTATGCACTAATCAAAGGAATCATCCTCCGGAAAATATTCACCACC[A>ATC]TCTCATTCTGCATTGTTCTGCGCATGGCGGTCACTCGGCAATTTCCCTGGGCTGTACAAA-3'